The following is an entry in ClinVar:

NM_001034853.2(RPGR):c.2899del (p.Glu967fs)

Gene: RPGR (retinitis pigmentosa GTPase regulator; minus strand). Cytogenetic location: Xp11.4.
Variant type: Deletion.
Coding change: c.2899del on transcript NM_001034853.2 (MANE Select); coding-DNA position 2899, one base deleted (G; older notation c.2899delG).
Protein change: p.Glu967fs; shifts the reading frame from glutamic acid 967.
Molecular consequence: frameshift variant. On other transcripts: intron variant (8).
Genome position (GRCh38, 1-based): chrX:38,286,100, C deleted on the plus strand (G on the coding strand, the reverse complement: RPGR is on the minus strand); the first of 5 consecutive C bases (chrX:38,286,100-38,286,104); deleting any one gives the same sequence. VCF-style (leftmost placement, unchanged base first): chrX-38286099-TC-T. GRCh37 (hg19) VCF-style: chrX-38145352-TC-T.
Other names: c.1569+4859del (NM_001367249.1, NM_001367250.1); c.1902+994del (NM_001367245.1); c.1386+4859del (NM_001367251.1); c.1719+994del (NM_001367246.1); c.1572+4859del (NM_001367247.1); c.1905+994del (NM_000328.3); c.1602+4859del (NM_001367248.1); short protein forms E967fs.
Identifiers: ClinVar variation 3249774 (VCV003249774.4).
Genomic context (GRCh38, chrX:38,286,099, plus strand): 5'-TCTCCTTCCTCCTCTTCCCCCTCCCCTTCTCCTTCCTCCCCTTCCCCTTCTCCTTCCTCT[TC>T]CCCCTCCCCTTCTCCTTCCTCCTCTTCCCCCTCCCATTCTCCTTCCTCCTCTTCCCCCTC-3'

ClinVar aggregate classification (germline): Pathogenic. Review status: criteria provided, multiple submitters, no conflicts (2 of 4 stars). 3 submissions from 3 submitters: Pathogenic (3). Last evaluated 2024-05-14.

Conditions:
RPGR-related disorder. Also called: RPGR-related condition.
Retinal dystrophy. Also called: Inherited retinal dystrophy. Identifiers: Orphanet 71862, MedGen C0854723, MeSH D058499, MONDO:0019118, HP:0000556.
Primary ciliary dyskinesia. Also called: Ciliary dyskinesia. Identifiers: Orphanet 244, MedGen C0008780, MONDO:0016575, HP:0012265.

Submissions (3):

Labcorp Genetics (formerly Invitae), Labcorp
Classification: Pathogenic for Primary ciliary dyskinesia. Last evaluated: 2024-05-14. Review status: criteria provided, single submitter. Criteria: Invitae Variant Classification Sherloc (09022015). Collection method: clinical testing. Allele origin: germline.
Comment: This sequence change creates a premature translational stop signal (p.Glu967Lysfs*122) in the RPGR (ORF15) gene. While this is not anticipated to result in nonsense mediated decay, it is expected to disrupt the last 186 amino acid(s) of the RPGR (ORF15) protein. This variant is not present in population databases (gnomAD no frequency). This premature translational stop signal has been observed in individual(s) with inherited retinal disease and/or retinitis pigmentosa (PMID: 27620828, 36460718). This variant disrupts a region of the RPGR (ORF15) protein in which other variant(s) (p.Leu1130Lysfs*13) have been determined to be pathogenic (PMID: 22264887; Invitae). This suggests that this is a clinically significant region of the protein, and that variants that disrupt it are likely to be disease-causing. For these reasons, this variant has been classified as Pathogenic.

Blueprint Genetics
Classification: Pathogenic for RPGR-related disorders. Last evaluated: 2022-03-30. Review status: criteria provided, single submitter. Criteria: ACMG Guidelines, 2015. Collection method: clinical testing. Allele origin: germline. Affected: yes. Observed: 4 variant alleles.

Institute of Human Genetics, Univ. Regensburg, Univ. Regensburg
Classification: Pathogenic for Retinal dystrophy. Last evaluated: 2012-01-01. Review status: criteria provided, single submitter. Criteria: ACMG Guidelines, 2015. Collection method: clinical testing. Allele origin: germline. Affected: yes.

Literature cited by the submitters: PubMed 27620828 (cited by Labcorp Genetics (formerly Invitae), Labcorp); PubMed 36460718 (cited by Labcorp Genetics (formerly Invitae), Labcorp); PubMed 22264887 (cited by Labcorp Genetics (formerly Invitae), Labcorp); PubMed 14564670 (cited by Institute of Human Genetics, Univ. Regensburg, Univ. Regensburg); PubMed 3646071 (cited by Institute of Human Genetics, Univ. Regensburg, Univ. Regensburg).